The following is an entry in ClinVar:

ClinVar aggregate classification (germline): Uncertain significance (1 of 4 stars; one submission).

Conditions:
Gorlin syndrome. Also called: Nevoid Basal Cell Carcinoma Syndrome; Basal cell nevus syndrome. Identifiers: Orphanet 377, MedGen C0004779, MONDO:0007187.

gnomAD v4.1: 6 of 1,614,064 alleles (0.00037%); highest among the groups gnomAD compares: African/African-American, 0.004%; no homozygotes.

Submission:

Labcorp Genetics (formerly Invitae), Labcorp
Classification: Uncertain significance for Gorlin syndrome. Last evaluated: 2024-04-05. Review status: criteria provided, single submitter. Criteria: Invitae Variant Classification Sherloc (09022015). Collection method: clinical testing. Allele origin: germline.
Comment: This sequence change replaces alanine, which is neutral and non-polar, with valine, which is neutral and non-polar, at codon 1091 of the PTCH2 protein (p.Ala1091Val). This variant is present in population databases (no rsID available, gnomAD 0.007%). This variant has not been reported in the literature in individuals affected with PTCH2-related conditions. ClinVar contains an entry for this variant (Variation ID: 1397376). Algorithms developed to predict the effect of missense changes on protein structure and function output the following: SIFT: "Not Available"; PolyPhen-2: "Benign"; Align-GVGD: "Not Available". The valine amino acid residue is found in multiple mammalian species, which suggests that this missense change does not adversely affect protein function. In summary, the available evidence is currently insufficient to determine the role of this variant in disease. Therefore, it has been classified as a Variant of Uncertain Significance.

NM_003738.5(PTCH2):c.3272C>T (p.Ala1091Val)

Gene: PTCH2 (patched 2; minus strand). Cytogenetic location: 1p34.1.
Variant type: single nucleotide variant.
Coding change: c.3272C>T on transcript NM_003738.5 (MANE Select); coding-DNA position 3272, C replaced by T.
Protein change: p.Ala1091Val; replaces alanine 1091 with valine.
Molecular consequence: missense variant.
Genome position (GRCh38, 1-based): chr1:44,823,154, G>A on the plus strand (C>T on the coding strand, the complement: PTCH2 is on the minus strand). VCF-style: chr1-44823154-G-A. GRCh37 (hg19) VCF-style: chr1-45288826-G-A.
Other names: c.3272C>T, p.Ala1091Val (NM_001166292.2); short protein forms A1091V.
Identifiers: ClinVar variation 1397376 (VCV001397376.6), dbSNP rs369600860, ClinGen allele CA340106127.
Genomic context (GRCh38, chr1:44,823,154, plus strand): 5'-AGCAGCACAGGCAGCAGCACGAGTCCATGGAGGAGGCCCAGGAGCGTGAGCACTGTCAGC[G>A]CCGCAAAGAAGTACCTAGGGGTAGGGTGTGGGGGGAGTCAGCCCAGGCCTGTCCTGAGCC-3'
Protein context (NP_003729.3, residues 1081-1101): FDFIVRYFFA[Ala1091Val]LTVLTLLGLL